The following is an entry in ClinVar:

ClinVar aggregate classification (germline): Uncertain significance (1 of 4 stars; one submission).

Submission:

Labcorp Genetics (formerly Invitae), Labcorp
Classification: Uncertain significance. Last evaluated: 2026-01-21. Review status: criteria provided, single submitter. Criteria: Invitae Variant Classification Sherloc (09022015). Collection method: clinical testing. Allele origin: germline.
Comment: This sequence change falls in intron 3 of the CD40 gene. It does not directly change the encoded amino acid sequence of the CD40 protein. This variant is not present in population databases (gnomAD no frequency). This variant has not been reported in the literature in individuals affected with CD40-related conditions. Algorithms developed to predict the effect of sequence changes on RNA splicing suggest that this variant may create or strengthen a splice site. In summary, the available evidence is currently insufficient to determine the role of this variant in disease. Therefore, it has been classified as a Variant of Uncertain Significance.

NM_001250.6(CD40):c.256+17G>T

Gene: CD40 (CD40 molecule; plus strand). Cytogenetic location: 20q13.12.
Variant type: single nucleotide variant.
Coding change: c.256+17G>T on transcript NM_001250.6 (MANE Select); 17 bases into the intron after coding-DNA position 256, G replaced by T.
Molecular consequence: intron variant.
Genome position (GRCh38, 1-based): chr20:46,122,375, G>T. VCF-style: chr20-46122375-G-T. GRCh37 (hg19) VCF-style: chr20-44751014-G-T.
Other names: c.256+17G>T (NM_001302753.2, NM_001322421.2, NM_001362758.2 and 3 more transcripts).
Identifiers: ClinVar variation 4798161 (VCV004798161.1).